The following is an entry in ClinVar:

NM_001204.7(BMPR2):c.*6525G>A

Gene: BMPR2 (bone morphogenetic protein receptor type 2; plus strand). Cytogenetic location: 2q33.2.
Variant type: single nucleotide variant.
Coding change: c.*6525G>A on transcript NM_001204.7 (MANE Select); 6525 bases downstream of the stop codon, G replaced by A.
Molecular consequence: 3 prime UTR variant.
Genome position (GRCh38, 1-based): chr2:202,566,471, G>A. VCF-style: chr2-202566471-G-A. GRCh37 (hg19) VCF-style: chr2-203431194-G-A.
Other names: c.*6525G>A (LRG_712t1).
Identifiers: ClinVar variation 333721 (VCV000333721.5), dbSNP rs527620155, ClinGen allele CA10612097.

ClinVar aggregate classification (germline): Likely benign (1 of 4 stars; one submission).

Conditions:
Pulmonary hypertension, primary, 1 (PPH1). Also called: Pulmonary hypertension, familial primary, 1, with or without HHT. Identifiers: Orphanet 422, MedGen C4552070, MONDO:0024533, OMIM 178600.

Allele frequency attached by ClinVar (database versions not stated): gnomAD 0.00045 and 0.00043; 1000 Genomes Project 30x 0.00047; 1000 Genomes Project 0.00020; TOPMed 0.00049.

Submission:

Illumina Laboratory Services, Illumina
Classification: Likely benign for Pulmonary hypertension, primary, 1. Last evaluated: 2017-04-27. Review status: criteria provided, single submitter. Criteria: ICSL Variant Classification Criteria 13 December 2019. Collection method: clinical testing. Allele origin: germline.
Comment: This variant was observed as part of a predisposition screen in an ostensibly healthy population. A literature search was performed for the gene, cDNA change, and amino acid change (where applicable). No publications were found based on this search. Allele frequency data from public databases allowed determination this variant is unlikely to cause disease. Therefore, this variant is classified as likely benign.